The following is an entry in ClinVar:

NM_001131016.2(CIZ1):c.1172TGCAGC[3] (p.Leu393_Gln394dup)

Gene: CIZ1 (CDKN1A interacting zinc finger protein 1; minus strand). Cytogenetic location: 9q34.11.
Variant type: Microsatellite.
Coding change: c.1172TGCAGC[3] on transcript NM_001131016.2 (MANE Select); three copies in a row of the 6-base unit TGCAGC starting at c.1172; the reference has two copies in a row; one copy, 6 bases duplicated.
Protein change: p.Leu393_Gln394dup.
Molecular consequence: inframe insertion. On other transcripts: intron variant (3).
Genome position (GRCh38, 1-based): chr9:128,179,024-128,179,029, GCTGCA duplicated on the plus strand (TGCAGC on the coding strand, the reverse complement: CIZ1 is on the minus strand); duplicating any 6 consecutive bases within chr9:128,179,024-128,179,035 gives the same sequence; the position shown is the placement nearest the transcript's 3' end. VCF-style (leftmost placement, unchanged base first): chr9-128179023-T-TGCTGCA. GRCh37 (hg19) VCF-style: chr9-130941302-T-TGCTGCA.
Other names: c.1262TGCAGC[3], p.Leu423_Gln424dup (NM_001257975.2); c.869TGCAGC[3], p.Leu292_Gln293dup (NM_001257976.2); c.1172TGCAGC[3], p.Leu393_Gln394dup (NM_012127.3); c.1134+38TGCAGC[3] (NM_001131015.2); c.1062+38TGCAGC[3] (NM_001131018.2); c.1119+38TGCAGC[3] (NM_001131017.2).
Identifiers: ClinVar variation 1500273 (VCV001500273.8), dbSNP rs764275201, ClinGen allele CA5257364.

ClinVar aggregate classification (germline): Uncertain significance (1 of 4 stars; one submission).

Conditions:
Dystonic disorder. Also called: Dystonia. Identifiers: MedGen C0013421, MONDO:0003441, HP:0001332.

Submission:

Labcorp Genetics (formerly Invitae), Labcorp
Classification: Uncertain significance for Dystonic disorder. Last evaluated: 2026-01-23. Review status: criteria provided, single submitter. Criteria: Invitae Variant Classification Sherloc (09022015). Collection method: clinical testing. Allele origin: germline.
Comment: This variant, c.1178_1183dup, results in the insertion of 2 amino acid(s) of the CIZ1 protein (p.Leu393_Gln394dup), but otherwise preserves the integrity of the reading frame. This variant is present in population databases (rs764275201, gnomAD 0.05%), and has an allele count higher than expected for a pathogenic variant. This variant has not been reported in the literature in individuals affected with CIZ1-related conditions. Experimental studies and prediction algorithms are not available or were not evaluated, and the functional significance of this variant is currently unknown. In summary, the available evidence is currently insufficient to determine the role of this variant in disease. Therefore, it has been classified as a Variant of Uncertain Significance.